The following is an entry in ClinVar:

ClinVar aggregate classification (germline): Conflicting classifications of pathogenicity. Review status: criteria provided, conflicting classifications (1 of 4 stars). 3 submissions from 3 submitters: Uncertain significance (2); Likely benign (1). Last evaluated 2025-08-12.

Conditions:
Multiple endocrine neoplasia, type 1 (MEN1). Also called: MEN I; WERMER SYNDROME; Endocrine adenomatosis multiple; MEN 1; MEA I. Identifiers: Orphanet 652, MedGen C0025267, MeSH D018761, MONDO:0007540, OMIM 131100.
Hereditary cancer-predisposing syndrome. Also called: Neoplastic Syndromes, Hereditary; Tumor predisposition; Hereditary neoplastic syndrome; Hereditary Cancer Syndrome. Identifiers: Orphanet 140162, MedGen C0027672, MeSH D009386, MONDO:0015356.

Allele frequency attached by ClinVar (database versions not stated): gnomAD exomes 0.00001; TOPMed 0.00001; ExAC 0.00002.

Submissions (3):

Color Diagnostics, LLC DBA Color Health
Classification: Uncertain significance for Multiple endocrine neoplasia, type 1. Last evaluated: 2025-08-12. Review status: criteria provided, single submitter. Criteria: ACMG Guidelines, 2015. Collection method: clinical testing. Allele origin: germline.
Comment: This missense variant replaces alanine with threonine at codon 403 of the MEN1 protein. Computational prediction suggests that this variant may have deleterious impact on protein structure and function. To our knowledge, functional studies have not been reported for this variant. This variant has not been reported in individuals affected with MEN1-related disorders in the literature. This variant has been identified in 2/250712 chromosomes in the general population by the Genome Aggregation Database (gnomAD). The available evidence is insufficient to determine the role of this variant in disease conclusively. Therefore, this variant is classified as a Variant of Uncertain Significance.

Labcorp Genetics (formerly Invitae), Labcorp
Classification: Likely benign for Multiple endocrine neoplasia, type 1. Last evaluated: 2025-06-01. Review status: criteria provided, single submitter. Criteria: Invitae Variant Classification Sherloc (09022015). Collection method: clinical testing. Allele origin: germline.

Ambry Genetics
Classification: Uncertain significance for Hereditary cancer-predisposing syndrome. Last evaluated: 2024-09-25. Review status: criteria provided, single submitter. Criteria: Ambry Variant Classification Scheme 2023. Collection method: clinical testing. Allele origin: germline.

NM_001370259.2(MEN1):c.1207G>A (p.Ala403Thr)

Gene: MEN1 (menin 1; minus strand). Cytogenetic location: 11q13.1.
Variant type: single nucleotide variant.
Coding change: c.1207G>A on transcript NM_001370259.2 (MANE Select); coding-DNA position 1207, G replaced by A.
Protein change: p.Ala403Thr; replaces alanine 403 with threonine.
Molecular consequence: missense variant.
Genome position (GRCh38, 1-based): chr11:64,805,177, C>T on the plus strand (G>A on the coding strand, the complement: MEN1 is on the minus strand). VCF-style: chr11-64805177-C-T. GRCh37 (hg19) VCF-style: chr11-64572649-C-T.
Other names: c.1222G>A, p.Ala408Thr (NM_000244.4, NM_130800.3, NM_130801.3 and 3 more transcripts); c.1333G>A, p.Ala445Thr (NM_001370251.2); c.1207G>A, p.Ala403Thr (NM_001370260.2, NM_001370261.2, NM_130799.3); c.1102G>A, p.Ala368Thr (NM_001370262.2, NM_001370263.2); short protein forms A408T, A403T, A368T, A445T.
Identifiers: ClinVar variation 527281 (VCV000527281.14), dbSNP rs746135199, ClinGen allele CA060300.